The following is an entry in ClinVar:

NM_014140.4(SMARCAL1):c.117C>T (p.Gly39=)

Gene: SMARCAL1 (SNF2 related chromatin remodeling annealing helicase 1; plus strand). Cytogenetic location: 2q35.
Variant type: single nucleotide variant.
Coding change: c.117C>T on transcript NM_014140.4 (MANE Select); coding-DNA position 117, C replaced by T.
Protein change: p.Gly39=; no amino-acid change (glycine 39 retained).
Molecular consequence: synonymous variant.
Genome position (GRCh38, 1-based): chr2:216,414,821, C>T. VCF-style: chr2-216414821-C-T. GRCh37 (hg19) VCF-style: chr2-217279544-C-T.
Other names: c.117C>T, p.Gly39= (NM_001127207.2).
Identifiers: ClinVar variation 791007 (VCV000791007.13), dbSNP rs565316605, ClinGen allele CA2097556.
Genomic context (GRCh38, chr2:216,414,821, plus strand): 5'-GGCTCTGGCCCGCAGAGCTGAGAAGTTATTGGCAGAACAGCATCAGAGGACTAGCTCGGG[C>T]ACCTCCATTGCTGGCAACCCATTCCAGGCCAAGCAAGGCCCATCCCAAAATTTCCCAAGG-3'
Protein context (NP_054859.2, residues 29-49): LAEQHQRTSS[Gly39=]TSIAGNPFQA

ClinVar aggregate classification (germline): Conflicting classifications of pathogenicity. Review status: criteria provided, conflicting classifications (1 of 4 stars). 3 submissions from 3 submitters: Uncertain significance (1); Likely benign (1). 1 of the submissions does not count toward it. Last evaluated 2026-01-22.

Conditions:
Schimke immuno-osseous dysplasia (SIOD). Also called: Schimke Immunoosseous Dysplasia. Identifiers: Orphanet 1830, MedGen C0877024, MONDO:0009458, OMIM 242900.
Inborn genetic diseases. Identifiers: MedGen C0950123, MeSH D030342.

Allele frequency attached by ClinVar (database versions not stated): gnomAD exomes 0.00002 and 0.00011; gnomAD 0.00009; TOPMed 0.00010; ExAC 0.00011; 1000 Genomes Project 30x 0.00016; 1000 Genomes Project 0.00020.
gnomAD v4.1: 42 of 1,614,204 alleles (0.0026%); highest among the groups gnomAD compares: East Asian, 0.082%; no homozygotes.

Submissions (3):

Labcorp Genetics (formerly Invitae), Labcorp
Classification: Likely benign for Schimke immuno-osseous dysplasia. Last evaluated: 2026-01-22. Review status: criteria provided, single submitter. Criteria: Invitae Variant Classification Sherloc (09022015). Collection method: clinical testing. Allele origin: germline.

Ambry Genetics
Classification: Uncertain significance for Inborn genetic diseases. Last evaluated: 2024-12-13. Review status: criteria provided, single submitter. Criteria: Ambry Variant Classification Scheme 2023. Collection method: clinical testing. Allele origin: germline.
Comment: The c.117C>T (p.G39G) alteration is located in exon 3 (coding exon 1) of the SMARCAL1 gene. This alteration consists of a C to T substitution at nucleotide position 117. This nucleotide substitution does not change the amino acid at codon 39. However, this change occurs in the last nucleotide of Exon 3 (c.-58_811) which makes it likely to have some effect on normal mRNA splicing. Based on insufficient or conflicting evidence, the clinical significance of this alteration remains unclear.

Natera, Inc.
Classification: Likely benign for Schimke immuno-osseous dysplasia. Last evaluated: 2020-09-16. Review status: no assertion criteria provided. Collection method: clinical testing. Allele origin: germline. Not counted in ClinVar's aggregate classification.